The following is an entry in ClinVar:

ClinVar aggregate classification (germline): Pathogenic. Review status: criteria provided, multiple submitters, no conflicts (2 of 4 stars). 2 submissions from 2 submitters: Pathogenic (2). Last evaluated 2021-04-07.

Conditions:
Cholestasis, progressive familial intrahepatic, 4. Identifiers: Orphanet 480483, Orphanet 79304, MedGen C2931067, MONDO:0014381, OMIM 615878.

Submissions (2):

Revvity Omics, Revvity
Classification: Pathogenic. Last evaluated: 2021-04-07. Review status: criteria provided, single submitter. Criteria: ACMG Guidelines, 2015. Collection method: clinical testing. Allele origin: germline.

Baylor Genetics
Classification: Pathogenic for Cholestasis, progressive familial intrahepatic, 4. Last evaluated: 2020-01-31. Review status: criteria provided, single submitter. Criteria: ACMG Guidelines, 2015. Collection method: clinical testing. Allele origin: unknown. Affected: yes.
Comment: This variant was determined to be pathogenic according to ACMG Guidelines, 2015 [PMID:25741868].

NM_004817.4(TJP2):c.2524C>T (p.Gln842Ter)

Gene: TJP2 (tight junction protein 2; plus strand). Cytogenetic location: 9q21.11.
Variant type: single nucleotide variant.
Coding change: c.2524C>T on transcript NM_004817.4 (MANE Select); coding-DNA position 2524, C replaced by T.
Protein change: p.Gln842Ter; replaces glutamine 842 with a stop codon.
Molecular consequence: nonsense.
Genome position (GRCh38, 1-based): chr9:69,240,105, C>T. VCF-style: chr9-69240105-C-T. GRCh37 (hg19) VCF-style: chr9-71855021-C-T.
Other names: c.2455C>T, p.Gln819Ter (NM_001170414.2, NM_001369871.1); c.2536C>T, p.Gln846Ter (NM_001170415.1, NM_001369874.1, NM_001369875.1); c.2617C>T, p.Gln873Ter (NM_001170416.2); c.2449C>T, p.Gln817Ter (NM_001369870.1); c.2524C>T, p.Gln842Ter (NM_001369872.1, NM_001369873.1, NM_201629.3); short protein forms Q819*, Q817*, Q842*, Q846*, Q873*.
Identifiers: ClinVar variation 1030844 (VCV001030844.5), dbSNP rs1830481830, ClinGen allele CA373534342.